The following is an entry in ClinVar:

ClinVar aggregate classification (germline): Uncertain significance (1 of 4 stars; one submission).

Submission:

Greenwood Genetic Center Diagnostic Laboratories, Greenwood Genetic Center
Classification: Uncertain significance. Last evaluated: 2022-03-01. Review status: criteria provided, single submitter. Criteria: ACMG Guidelines, 2015. Collection method: clinical testing. Allele origin: germline. Affected: yes.
Comment: PM2, BP4

NM_031407.7(HUWE1):c.1780-16T>G

Gene: HUWE1 (HECT, UBA and WWE domain containing E3 ubiquitin protein ligase 1; minus strand). Cytogenetic location: Xp11.22.
Variant type: single nucleotide variant.
Coding change: c.1780-16T>G on transcript NM_031407.7 (MANE Select); 16 bases into the intron before coding-DNA position 1780, T replaced by G.
Molecular consequence: intron variant.
Genome position (GRCh38, 1-based): chrX:53,617,163, A>C on the plus strand (T>G on the coding strand, the complement: HUWE1 is on the minus strand). VCF-style: chrX-53617163-A-C. GRCh37 (hg19) VCF-style: chrX-53644124-A-C.
Identifiers: ClinVar variation 1676457 (VCV001676457.3), dbSNP rs2148851437, ClinGen allele CA2573158948.